The following is an entry in ClinVar:

NM_005633.4(SOS1):c.3704C>T (p.Pro1235Leu)

Gene: SOS1 (SOS Ras/Rac guanine nucleotide exchange factor 1; minus strand). Cytogenetic location: 2p22.1.
Variant type: single nucleotide variant.
Coding change: c.3704C>T on transcript NM_005633.4 (MANE Select); coding-DNA position 3704, C replaced by T.
Protein change: p.Pro1235Leu; replaces proline 1235 with leucine.
Molecular consequence: missense variant.
Genome position (GRCh38, 1-based): chr2:38,986,122, G>A on the plus strand (C>T on the coding strand, the complement: SOS1 is on the minus strand). VCF-style: chr2-38986122-G-A. GRCh37 (hg19) VCF-style: chr2-39213263-G-A.
Other names: c.3683C>T, p.Pro1228Leu (NM_001382394.1); c.3659C>T, p.Pro1220Leu (NM_001382395.1); short protein forms P1228L, P1235L, P1220L.
Identifiers: ClinVar variation 3321548 (VCV003321548.2).
Genomic context (GRCh38, chr2:38,986,122, plus strand): 5'-GGGGAAGGGCTGTTTGGGAAGAAGGCATTGCCATGGTCACTTTTTTTGCCCAAAGGGGGA[G>A]GTTGGAGATGTAGTGGTGAGCTTGAGAAAACATCAGGTGTCCTCACAGGTTCTCGTGGTG-3'
Protein context (NP_005624.2, residues 1225-1245): VFSSSPLHLQ[Pro1235Leu]PPLGKKSDHG

ClinVar aggregate classification (germline): Uncertain significance. Review status: criteria provided, multiple submitters, no conflicts (2 of 4 stars). 2 submissions from 2 submitters: Uncertain significance (2). Last evaluated 2024-06-02.

Conditions:
Cardiovascular phenotype. Identifiers: MedGen CN230736.

Submissions (2):

Ambry Genetics
Classification: Uncertain significance for Cardiovascular phenotype. Last evaluated: 2024-06-02. Review status: criteria provided, single submitter. Criteria: Ambry Variant Classification Scheme 2023. Collection method: clinical testing. Allele origin: germline.
Comment: The p.P1235L variant (also known as c.3704C>T), located in coding exon 23 of the SOS1 gene, results from a C to T substitution at nucleotide position 3704. The proline at codon 1235 is replaced by leucine, an amino acid with similar properties. This amino acid position is conserved. In addition, the in silico prediction for this alteration is inconclusive. Based on the available evidence, the clinical significance of this variant remains unclear.

Blueprint Genetics
Classification: Uncertain significance. Last evaluated: 2023-09-27. Review status: criteria provided, single submitter. Criteria: ACMG Guidelines, 2015. Collection method: clinical testing. Allele origin: germline.